The following is an entry in ClinVar:

ClinVar aggregate classification (germline): Uncertain significance. Review status: criteria provided, multiple submitters, no conflicts (2 of 4 stars). 4 submissions from 4 submitters: Uncertain significance (4). Last evaluated 2025-09-20.

Conditions:
Hereditary cancer-predisposing syndrome. Also called: Neoplastic Syndromes, Hereditary; Tumor predisposition; Hereditary Cancer Syndrome; Hereditary neoplastic syndrome. Identifiers: Orphanet 140162, MedGen C0027672, MeSH D009386, MONDO:0015356.
Isolated focal cortical dysplasia type II (FCORD2). Also called: CORTICAL DYSPLASIA OF TAYLOR; Focal cortical dysplasia type II. Identifiers: Orphanet 268994, MedGen C1846385, MONDO:0011818, OMIM 607341, HP:0032051.
Tuberous sclerosis 1 (TSC1). Identifiers: Orphanet 805, MedGen C1854465, MONDO:0008612, OMIM 191100.

Submissions (4):

Labcorp Genetics (formerly Invitae), Labcorp
Classification: Uncertain significance for Tuberous sclerosis 1. Last evaluated: 2025-09-20. Review status: criteria provided, single submitter. Criteria: Invitae Variant Classification Sherloc (09022015). Collection method: clinical testing. Allele origin: germline.
Comment: This sequence change replaces valine, which is neutral and non-polar, with leucine, which is neutral and non-polar, at codon 172 of the TSC1 protein (p.Val172Leu). This variant is not present in population databases (gnomAD no frequency). This variant has not been reported in the literature in individuals affected with TSC1-related conditions. ClinVar contains an entry for this variant (Variation ID: 567652). Invitae Evidence Modeling of protein sequence and biophysical properties (such as structural, functional, and spatial information, amino acid conservation, physicochemical variation, residue mobility, and thermodynamic stability) indicates that this missense variant is not expected to disrupt TSC1 protein function with a negative predictive value of 95%. In summary, the available evidence is currently insufficient to determine the role of this variant in disease. Therefore, it has been classified as a Variant of Uncertain Significance.

Baylor Genetics
Classification: Uncertain significance for Isolated focal cortical dysplasia type II. Last evaluated: 2024-01-03. Review status: criteria provided, single submitter. Criteria: ACMG Guidelines, 2015. Collection method: clinical testing. Allele origin: unknown.

GeneDx
Classification: Uncertain significance. Last evaluated: 2022-07-13. Review status: criteria provided, single submitter. Criteria: GeneDx Variant Classification Process June 2021. Collection method: clinical testing. Allele origin: germline. Affected: yes.
Comment: Not observed at significant frequency in large population cohorts (gnomAD); In silico analysis supports that this missense variant does not alter protein structure/function; Has not been previously published as pathogenic or benign to our knowledge

Ambry Genetics
Classification: Uncertain significance for Hereditary cancer-predisposing syndrome. Last evaluated: 2020-06-03. Review status: criteria provided, single submitter. Criteria: Ambry Variant Classification Scheme 2023. Collection method: clinical testing. Allele origin: germline.
Comment: The p.V172L variant (also known as c.514G>C), located in coding exon 5 of the TSC1 gene, results from a G to C substitution at nucleotide position 514. The valine at codon 172 is replaced by leucine, an amino acid with highly similar properties. This amino acid position is highly conserved in available vertebrate species. In addition, this alteration is predicted to be deleterious by in silico analysis. Since supporting evidence is limited at this time, the clinical significance of this alteration remains unclear.

NM_000368.5(TSC1):c.514G>C (p.Val172Leu)

Gene: TSC1 (TSC complex subunit 1; minus strand). Cytogenetic location: 9q34.13.
Variant type: single nucleotide variant.
Coding change: c.514G>C on transcript NM_000368.5 (MANE Select); coding-DNA position 514, G replaced by C.
Protein change: p.Val172Leu; replaces valine 172 with leucine.
Molecular consequence: missense variant.
Genome position (GRCh38, 1-based): chr9:132,921,968, C>G on the plus strand (G>C on the coding strand, the complement: TSC1 is on the minus strand). VCF-style: chr9-132921968-C-G. GRCh37 (hg19) VCF-style: chr9-135797355-C-G.
Other names: c.514G>C, p.Val172Leu (NM_001162426.2); c.361G>C, p.Val121Leu (NM_001162427.2); c.151G>C, p.Val51Leu (NM_001362177.2); short protein forms V172L, V121L, V51L.
Identifiers: ClinVar variation 567652 (VCV000567652.13), dbSNP rs952813051, ClinGen allele CA200901207.